The following is an entry in ClinVar:

NR_003051.4(RMRP):n.222T>C

Gene: RMRP (RNA component of mitochondrial RNA processing endoribonuclease; minus strand). Cytogenetic location: 9p13.3.
Variant type: single nucleotide variant.
Genome position: GRCh38 VCF-style: chr9-35657798-A-G. GRCh37 (hg19) VCF-style: chr9-35657795-A-G.
Identifiers: ClinVar variation 1072425 (VCV001072425.11), dbSNP rs1013239356, ClinGen allele CA192745561.

ClinVar aggregate classification (germline): Likely pathogenic. Review status: reviewed by expert panel (3 of 4 stars). 3 submissions from 3 submitters: Likely pathogenic (1). 2 of the submissions do not count toward it. Last evaluated 2025-10-27.

Conditions:
Anauxetic dysplasia. Identifiers: Orphanet 93347, MedGen C1846796, MONDO:0011773.
Metaphyseal chondrodysplasia, McKusick type (CHH). Also called: Cartilage-hair hypoplasia; Cartilage-Hair Hypoplasia (CHH). Identifiers: Orphanet 175, MedGen C0220748, MONDO:0009595, OMIM 250250.

Allele frequency attached by ClinVar (database versions not stated): TOPMed below 0.00001.

Submissions (3):

ClinGen Severe Combined Immunodeficiency Variant Curation Expert Panel, ClinGen
Classification: Likely pathogenic for Metaphyseal chondrodysplasia, McKusick type. Last evaluated: 2025-10-27. Review status: reviewed by expert panel. Criteria: ClinGen SCID ACMG Specifications RMRP V1.2.0. Collection method: curation. Allele origin: germline. Inheritance: Autosomal recessive inheritance.
Comment: The NR_003051.4:n.222T>C variant in RMRP gene (NC_000009.12:g.35657798A>G) is a single-nucleotide change within the transcribed region of the RMRP transcript. This variant is also known as g.220T>C. This variant is absent in gnomAD v.4 (PM2_Supporting). The p-value threshold significance is more than 0.1 using RNAsnp to access SNP effects on local RNA secondary structure, PP3 is not met. Both patients presented with short stature, metaphyseal dysplasia (+1.0 point), and immune deficiency, while one patient additionally had hair hypoplasia (PP4, PMID: 16244706). This variant is located in the P19 helix domain, which is an evolutionary nonconserved region. The endonucleolytic cleavage activity assay indicated that this variant led to a decrease mRNA cleavage activity (PS3_Supporting, PMID: 17701897). In summary, this variant is classified as likely pathogenic for Autosomal Recessive Cartilage Hair Hypoplasia based on the ACMG/AMP criteria applied, as specified by the ClinGen SCID VCEP: PM2_Supporting, PM3_Strong, PP4,PS3_Supporting (SCID VCEP specifications version 1).

Labcorp Genetics (formerly Invitae), Labcorp
Classification: Pathogenic for Anauxetic dysplasia. Last evaluated: 2025-05-02. Review status: criteria provided, single submitter. Criteria: Invitae Variant Classification Sherloc (09022015). Collection method: clinical testing. Allele origin: germline. Not counted in ClinVar's aggregate classification.
Comment: This variant occurs in the RMRP gene, which encodes an RNA molecule that does not result in a protein product. This variant is not present in population databases (gnomAD no frequency). This variant has been observed in individual(s) with cartilage-hair hypoplasia (PMID: 16244706). In at least one individual the data is consistent with being in trans (on the opposite chromosome) from a pathogenic variant. This variant is also known as g.220T>C. ClinVar contains an entry for this variant (Variation ID: 1072425). Algorithms developed to predict the effect of variants on gene product structure and function are not available or were not evaluated for this variant. Experimental studies have shown that this variant affects RMRP function (PMID: 17701897). For these reasons, this variant has been classified as Pathogenic.

Natera, Inc.
Classification: Likely pathogenic for Cartilage-hair hypoplasia. Last evaluated: 2025-04-21. Review status: criteria provided, single submitter. Criteria: Natera Variant Classification Schema (03/2026). Collection method: clinical testing. Allele origin: germline. Not counted in ClinVar's aggregate classification.
Comment: The n.221T>C variant in RMRP is characterized as a single nucleotide variant (SNV). This variant is rare in the general population with a frequency below the threshold expected for the associated phenotype(s). This variant has been observed in one or more individuals affected with the associated recessive disease, as either homozygous or compound heterozygous with a second variant (PMID: 16244706). This variant has been identified in one or more affected individuals with a phenotype highly consistent with the associated gene (PMID: 16244706). Functional studies show that this variant may disrupt protein function (PMID: 17701897). Given the available evidence, this variant is classified as Likely Pathogenic.

Literature cited by the submitters: PubMed 17701897 (cited by 3 submitters); PubMed 16244706 (cited by Labcorp Genetics (formerly Invitae), Labcorp and Natera, Inc.).